The following is an entry in ClinVar:

NM_002299.4(LCT):c.4576C>T (p.Leu1526=)

Gene: LCT (lactase; minus strand). Cytogenetic location: 2q21.3.
Variant type: single nucleotide variant.
Coding change: c.4576C>T on transcript NM_002299.4 (MANE Select); coding-DNA position 4576, C replaced by T.
Protein change: p.Leu1526=; no amino-acid change (leucine 1526 retained).
Molecular consequence: synonymous variant.
Genome position (GRCh38, 1-based): chr2:135,804,017, G>A on the plus strand (C>T on the coding strand, the complement: LCT is on the minus strand). VCF-style: chr2-135804017-G-A. GRCh37 (hg19) VCF-style: chr2-136561587-G-A.
Other names: c.4576C>T (LRG_338t1).
Identifiers: ClinVar variation 331173 (VCV000331173.16), dbSNP rs140074771, ClinGen allele CA1887820.
Genomic context (GRCh38, chr2:135,804,017, plus strand): 5'-CCTGGTAAGCAATGACAAAGGGCTCATTCAGCGTGATCCAAAACTTCACCTTGTCTCCCA[G>A]CCTCTGGAAGAGCACATCTGCATACTCCTTAAACCGCTGCACGATGGTCTCATTCTCCCA-3'
Protein context (NP_002290.2, residues 1516-1536): KEYADVLFQR[Leu1526=]GDKVKFWITL

ClinVar aggregate classification (germline): Benign/Likely benign. Review status: criteria provided, multiple submitters, no conflicts (2 of 4 stars). 3 submissions from 3 submitters: Benign (1); Likely benign (1). 1 of the submissions does not count toward it. Last evaluated 2026-02-01.

Conditions:
LCT-related disorder. Also called: LCT-related condition.

Allele frequency attached by ClinVar (database versions not stated): ExAC 0.00079; 1000 Genomes Project 0.00160; gnomAD 0.00160 and 0.00178; 1000 Genomes Project 30x 0.00172; gnomAD exomes 0.00035 and 0.00068; TOPMed 0.00205; ESP Exome Variant Server 0.00223.
gnomAD v4.1: 802 of 1,613,156 alleles (0.05%); highest among the groups gnomAD compares: African/African-American, 0.46%; 1 homozygote.

Submissions (3):

Labcorp Genetics (formerly Invitae), Labcorp
Classification: Benign. Last evaluated: 2026-02-01. Review status: criteria provided, single submitter. Criteria: Invitae Variant Classification Sherloc (09022015). Collection method: clinical testing. Allele origin: germline.

Blueprint Genetics
Classification: Likely benign. Last evaluated: 2024-11-11. Review status: criteria provided, single submitter. Criteria: ACMG Guidelines, 2015. Collection method: clinical testing. Allele origin: germline.

PreventionGenetics, part of Exact Sciences
Classification: Likely benign for LCT-related condition. Last evaluated: 2022-05-27. Review status: no assertion criteria provided. Collection method: clinical testing. Allele origin: germline. Not counted in ClinVar's aggregate classification.
Comment: This variant is classified as likely benign based on ACMG/AMP sequence variant interpretation guidelines (Richards et al. 2015 PMID: 25741868, with internal and published modifications).